The following is an entry in ClinVar:

ClinVar aggregate classification (germline): Uncertain significance (1 of 4 stars; one submission).

Conditions:
Hereditary cancer-predisposing syndrome. Also called: Tumor predisposition; Neoplastic Syndromes, Hereditary; Hereditary neoplastic syndrome; Hereditary Cancer Syndrome. Identifiers: Orphanet 140162, MedGen C0027672, MeSH D009386, MONDO:0015356.

Submission:

Ambry Genetics
Classification: Uncertain significance for Hereditary cancer-predisposing syndrome. Last evaluated: 2025-08-27. Review status: criteria provided, single submitter. Criteria: Ambry Variant Classification Scheme 2023. Collection method: clinical testing. Allele origin: germline.
Comment: The p.Q501L variant (also known as c.1502A>T), located in coding exon 15 of the MUTYH gene, results from an A to T substitution at nucleotide position 1502. The glutamine at codon 501 is replaced by leucine, an amino acid with dissimilar properties. This amino acid position is conserved. In addition, this alteration is predicted to be tolerated by in silico analysis. Based on the available evidence, the clinical significance of this variant remains unclear.

NM_001048174.2(MUTYH):c.1418A>T (p.Gln473Leu)

Gene: MUTYH (mutY DNA glycosylase; minus strand). Cytogenetic location: 1p34.1.
Variant type: single nucleotide variant.
Coding change: c.1418A>T on transcript NM_001048174.2 (MANE Select); coding-DNA position 1418, A replaced by T.
Protein change: p.Gln473Leu; replaces glutamine 473 with leucine.
Molecular consequence: missense variant. On other transcripts: non-coding transcript variant (7).
Genome position (GRCh38, 1-based): chr1:45,330,532, T>A on the plus strand (A>T on the coding strand, the complement: MUTYH is on the minus strand). VCF-style: chr1-45330532-T-A. GRCh37 (hg19) VCF-style: chr1-45796204-T-A.
Other names: c.1334A>T, p.Gln445Leu (NM_001407075.1); c.1451A>T, p.Gln484Leu (NM_001407077.1, NM_001293191.2, NM_001407069.1); c.1421A>T, p.Gln474Leu (NM_001407078.1, NM_001407086.1, NM_001048172.2 and 1 more transcripts); c.1379A>T, p.Gln460Leu (NM_001407079.1); c.1376A>T, p.Gln459Leu (NM_001407080.1); c.1418A>T, p.Gln473Leu (NM_001407081.1, NM_001048171.2, NM_001048173.2 and 6 more transcripts); c.1073A>T, p.Gln358Leu (NM_001407082.1, NM_001350650.2, NM_001350651.2); c.1460A>T, p.Gln487Leu (NM_001407083.1, NM_001407085.1); and 5 more; short protein forms Q445L, Q498L, Q358L, Q459L, Q473L, Q474L, Q484L, Q501L.
Identifiers: ClinVar variation 4113296 (VCV004113296.1).
Genomic context (GRCh38, chr1:45,330,532, plus strand): 5'-TCAGGCCTGGGGAGACACGGTTGGGAGAGGCCTAGGAGACTTACCATACAGGTCCCTGGC[T>A]GTTGGCCCTGATACACACGGAAAACCTAGACAAGAAGACAGGGAGGTGAGGGCTGGCACT-3'
Protein context (NP_001041639.1, residues 463-483): KKVFRVYQGQ[Gln473Leu]PGTCMGSKRS